The following is an entry in ClinVar:

ClinVar aggregate classification (germline): Uncertain significance (1 of 4 stars; one submission).

Allele frequency attached by ClinVar (database versions not stated): gnomAD exomes below 0.00001; gnomAD 0.00001.
gnomAD v4.1: 6 of 1,609,444 alleles (0.00037%); highest among the groups gnomAD compares: East Asian, 0.0022%; no homozygotes.

Submission:

Labcorp Genetics (formerly Invitae), Labcorp
Classification: Uncertain significance. Last evaluated: 2023-08-20. Review status: criteria provided, single submitter. Criteria: Invitae Variant Classification Sherloc (09022015). Collection method: clinical testing. Allele origin: germline.
Comment: In summary, the available evidence is currently insufficient to determine the role of this variant in disease. Therefore, it has been classified as a Variant of Uncertain Significance. Advanced modeling of protein sequence and biophysical properties (such as structural, functional, and spatial information, amino acid conservation, physicochemical variation, residue mobility, and thermodynamic stability) performed at Invitae indicates that this missense variant is not expected to disrupt FLI1 protein function. This variant has not been reported in the literature in individuals affected with FLI1-related conditions. This variant is present in population databases (no rsID available, gnomAD 0.007%). This sequence change replaces alanine, which is neutral and non-polar, with threonine, which is neutral and polar, at codon 297 of the FLI1 protein (p.Ala297Thr).

NM_002017.5(FLI1):c.889G>A (p.Ala297Thr)

Gene: FLI1 (Fli-1 proto-oncogene, ETS transcription factor; plus strand). Cytogenetic location: 11q24.3.
Variant type: single nucleotide variant.
Coding change: c.889G>A on transcript NM_002017.5 (MANE Select); coding-DNA position 889, G replaced by A.
Protein change: p.Ala297Thr; replaces alanine 297 with threonine.
Molecular consequence: missense variant.
Genome position (GRCh38, 1-based): chr11:128,810,518, G>A. VCF-style: chr11-128810518-G-A. GRCh37 (hg19) VCF-style: chr11-128680413-G-A.
Other names: c.790G>A, p.Ala264Thr (NM_001167681.3); c.691G>A, p.Ala231Thr (NM_001271010.2); c.310G>A, p.Ala104Thr (NM_001271012.2); short protein forms A231T, A104T, A264T, A297T.
Identifiers: ClinVar variation 2876932 (VCV002876932.3), dbSNP rs1171222613, ClinGen allele CA383238547.